The following is an entry in ClinVar:

ClinVar aggregate classification (germline): Likely pathogenic (1 of 4 stars; one submission).

Conditions:
Deficiency of malonyl-CoA decarboxylase. Also called: Malonic aciduria; MCD deficiency. Identifiers: Orphanet 943, MedGen C0342793, MONDO:0009556, OMIM 248360.

Submission:

Labcorp Genetics (formerly Invitae), Labcorp
Classification: Likely pathogenic for Deficiency of malonyl-CoA decarboxylase. Last evaluated: 2023-02-12. Review status: criteria provided, single submitter. Criteria: Invitae Variant Classification Sherloc (09022015). Collection method: clinical testing. Allele origin: germline.
Comment: This variant is not present in population databases (gnomAD no frequency). This sequence change inserts a large fragment of DNA, likely a transposable element, in exon 5 of the MLYCD gene (c.1065_1066ins?), causing a frameshift at codon 356 (p.Thr356fs). The exact size and sequence of the insertion cannot be determined by the current assay. However, the insertion is expected to result in an absent or disrupted protein product. This variant has not been reported in the literature in individuals affected with MLYCD-related conditions. In summary, the currently available evidence indicates that the variant is pathogenic, but additional data are needed to prove that conclusively. Therefore, this variant has been classified as Likely Pathogenic. Retrotransposon insertions including LINE1 (L1), Alu, and SVA (SINE-VNTR-Alu) have been reported to disrupt protein function (PMID: 19763152, 20307669, 22406018). However the effect of this particular variant is unknown. This variant disrupts a region of the MLYCD protein in which other variant(s) (p.Ser477Phe) have been observed in individuals with MLYCD-related conditions (PMID: 17186413). This suggests that this is a clinically significant region of the protein, and that variants that disrupt it are likely to be disease-causing. Algorithms developed to predict the effect of sequence changes on RNA splicing suggest that this variant may disrupt the consensus splice site.

Literature cited by the submitters: PubMed 19763152; PubMed 20307669; PubMed 22406018; PubMed 17186413.

NM_012213.3(MLYCD):c.1065_1066insTTTTTTTTTTTTTTTTTTTTNNNNNNNNNNCGTGATCCGCCCGCCTCGGCCTCCCAAAGTGCTGGGATTACAGGCGTGAGCCACCGCGCCCGGCCGAGGAATGAACTCTTT (p.Phe355_Thr356insPhePhePhePhePhePheXaaXaaXaaXaaArgAspProProAlaSerAlaSerGlnSerAlaGlyIleThrGlyValSerHisArgAlaArgProArgAsnGluLeuPhe)

Gene: MLYCD (malonyl-CoA decarboxylase; plus strand). Cytogenetic location: 16q23.3.
Variant type: Insertion.
Coding change: c.1065_1066insTTTTTTTTTTTTTTTTTTTTNNNNNNNNNNCGTGATCCGCCCGCCTCGGCCTCCCAAAGTGCTGGGATTACAGGCGTGAGCCACCGCGCCCGGCCGAGGAATGAACTCTTT on transcript NM_012213.3 (MANE Select); coding-DNA positions 1065 to 1066, TTTTTTTTTTTTTTTTTTTTNNNNNNNNNNCGTGATCCGCCCGCCTCGGCCTCCCAAAGTGCTGGGATTACAGGCGTGAGCCACCGCGCCCGGCCGAGGAATGAACTCTTT inserted.
Protein change: p.Phe355_Thr356insPhePhePhePhePhePheXaaXaaXaaXaaArgAspProProAlaSerAlaSerGlnSerAlaGlyIleThrGlyValSerHisArgAlaArgProArgAsnGluLeuPhe.
Molecular consequence: inframe insertion.
Genome position: GRCh38: chr16:83,915,072-83,915,073. GRCh37 (hg19): chr16:83,948,677-83,948,678.
Identifiers: ClinVar variation 2836549 (VCV002836549.3), dbSNP rs2507391940.